The following is an entry in ClinVar:

ClinVar aggregate classification (germline): Benign/Likely benign. Review status: criteria provided, multiple submitters, no conflicts (2 of 4 stars). 4 submissions from 4 submitters: Benign (1); Likely benign (2). 1 of the submissions does not count toward it. Last evaluated 2026-01-26.

Conditions:
Aortic valve disease 2 (AOVD2). Identifiers: MedGen C3542024, MONDO:0013902, OMIM 614823.
TBX5-related disorder. Also called: TBX5-related condition.
Cardiovascular phenotype. Identifiers: MedGen CN230736.

Allele frequency attached by ClinVar (database versions not stated): gnomAD exomes 0.00006; gnomAD 0.00007 and 0.00010; ESP Exome Variant Server 0.00008; TOPMed 0.00015; 1000 Genomes Project 0.00060; 1000 Genomes Project 30x 0.00078.
gnomAD v4.1: 103 of 1,613,908 alleles (0.0064%); highest among the groups gnomAD compares: East Asian, 0.16%; no homozygotes.

Submissions (4):

Labcorp Genetics (formerly Invitae), Labcorp
Classification: Benign for Aortic valve disease 2. Last evaluated: 2026-01-26. Review status: criteria provided, single submitter. Criteria: Invitae Variant Classification Sherloc (09022015). Collection method: clinical testing. Allele origin: germline.

Blueprint Genetics
Classification: Likely benign. Last evaluated: 2024-09-12. Review status: criteria provided, single submitter. Criteria: ACMG Guidelines, 2015. Collection method: clinical testing. Allele origin: germline.

Ambry Genetics
Classification: Likely benign for Cardiovascular phenotype. Last evaluated: 2016-01-08. Review status: criteria provided, single submitter. Criteria: Ambry Variant Classification Scheme 2023. Collection method: clinical testing. Allele origin: germline.

PreventionGenetics, part of Exact Sciences
Classification: Likely benign for TBX5-related condition. Last evaluated: 2019-02-22. Review status: no assertion criteria provided. Collection method: clinical testing. Allele origin: germline. Not counted in ClinVar's aggregate classification.
Comment: This variant is classified as likely benign based on ACMG/AMP sequence variant interpretation guidelines (Richards et al. 2015 PMID: 25741868, with internal and published modifications).

NM_181486.4(TBX5):c.1545C>T (p.Ser515=)

Gene: TBX5 (T-box transcription factor 5; minus strand). Cytogenetic location: 12q24.21.
Variant type: single nucleotide variant.
Coding change: c.1545C>T on transcript NM_181486.4 (MANE Select); coding-DNA position 1545, C replaced by T.
Protein change: p.Ser515=; no amino-acid change (serine 515 retained).
Molecular consequence: synonymous variant.
Genome position (GRCh38, 1-based): chr12:114,355,544, G>A on the plus strand (C>T on the coding strand, the complement: TBX5 is on the minus strand). VCF-style: chr12-114355544-G-A. GRCh37 (hg19) VCF-style: chr12-114793349-G-A.
Other names: c.1545C>T, p.Ser515= (NM_000192.3); c.1395C>T, p.Ser465= (NM_080717.4).
Identifiers: ClinVar variation 416580 (VCV000416580.17), dbSNP rs186780790, ClinGen allele CA6809318.